The following is an entry in ClinVar:

NM_000091.5(COL4A3):c.279+1G>A

Genes: COL4A3 (collagen type IV alpha 3 chain; plus strand), MFF-DT (MFF divergent transcript; minus strand). Cytogenetic location: 2q36.3.
Variant type: single nucleotide variant.
Coding change: c.279+1G>A on transcript NM_000091.5 (MANE Select); the canonical splice donor site of the intron after coding-DNA position 279, G replaced by A.
Molecular consequence: splice donor variant.
Genome position (GRCh38, 1-based): chr2:227,244,365, G>A. VCF-style: chr2-227244365-G-A. GRCh37 (hg19) VCF-style: chr2-228109081-G-A.
Identifiers: ClinVar variation 556684 (VCV000556684.9), dbSNP rs202001097, ClinGen allele CA2145974.
Genomic context (GRCh38, chr2:227,244,365, plus strand): 5'-TTCACTTGAATCTAGGGCTTTCCAGGACTTCCAGGACTCACGGGTTCCAAAGGTGTAAGG[G>A]TTAGTAGTCCAACCAGTCCACCCTGATCGTTAAAAGATCAGCTTTTCACAGTAAGAGTTA-3'

ClinVar aggregate classification (germline): Likely pathogenic. Review status: criteria provided, multiple submitters, no conflicts (2 of 4 stars). 4 submissions from 4 submitters: Likely pathogenic (3). 1 of the submissions does not count toward it. Last evaluated 2025-09-29.

Conditions:
Autosomal recessive Alport syndrome (ATS2). Also called: Alport syndrome type 2; ALPORT SYNDROME 2, AUTOSOMAL RECESSIVE; COL4A3-Related Nephropathy; COL4A4 Alport Syndrome and Thin Basement Membrane Nephropathy. Identifiers: Orphanet 63, Orphanet 88919, MedGen C4746745, MONDO:0008762, OMIM 203780.
Autosomal dominant Alport syndrome (ATS3A). Also called: ALPORT SYNDROME 3A, AUTOSOMAL DOMINANT; Alport syndrome dominant type; Renal failure and sensorineural hearing loss. Identifiers: Orphanet 63, Orphanet 88918, MedGen C5882663, MONDO:0007086, OMIM 104200.
Hematuria, benign familial, 2 (BFH2). Identifiers: MedGen C5830421, MONDO:0958186, OMIM 620320.
Alport syndrome 3b, autosomal recessive. Identifiers: MedGen C5882699, MONDO:0957811, OMIM 620536.
Alport syndrome. Also called: Hemorrhagic familial nephritis; Hemorrhagic hereditary nephritis; Congenital hereditary hematuria. Identifiers: Orphanet 63, MedGen C1567741, MONDO:0018965.

Allele frequency attached by ClinVar (database versions not stated): gnomAD exomes below 0.00001; ExAC 0.00001; ESP Exome Variant Server 0.00008.

Submissions (4):

Natera, Inc.
Classification: Likely pathogenic for Alport syndrome. Last evaluated: 2025-09-29. Review status: criteria provided, single submitter. Criteria: Natera Variant Classification Schema (03/2026). Collection method: clinical testing. Allele origin: germline.
Comment: The c.279+1G>A variant in COL4A3 is a canonical splice donor site variant predicted to affect pre-mRNA splicing, which may result in an abnormal transcript and altered protein product. This variant is expected to result in nonsense mediated decay, truncation, or a dysfunctional protein product. This variant is rare in the general population with a frequency below the threshold expected for the associated phenotype(s). Given the available evidence, this variant is classified as Likely Pathogenic.

Fulgent Genetics
Classification: Likely pathogenic for Autosomal dominant Alport syndrome; Hematuria, benign familial, 2; Alport syndrome 3b, autosomal recessive. Last evaluated: 2024-04-04. Review status: criteria provided, single submitter. Criteria: ACMG Guidelines, 2015. Collection method: clinical testing. Allele origin: germline.

Labcorp Genetics (formerly Invitae), Labcorp
Classification: Likely pathogenic. Last evaluated: 2023-09-27. Review status: criteria provided, single submitter. Criteria: Invitae Variant Classification Sherloc (09022015). Collection method: clinical testing. Allele origin: germline.
Comment: In summary, the currently available evidence indicates that the variant is pathogenic, but additional data are needed to prove that conclusively. Therefore, this variant has been classified as Likely Pathogenic. This sequence change affects a donor splice site in intron 4 of the COL4A3 gene. It is expected to disrupt RNA splicing. Variants that disrupt the donor or acceptor splice site typically lead to a loss of protein function (PMID: 16199547), and loss-of-function variants in COL4A3 are known to be pathogenic (PMID: 8956999, 24854265, 26809805, 27281700). The frequency data for this variant in the population databases is considered unreliable, as metrics indicate poor data quality at this position in the gnomAD database. This variant has not been reported in the literature in individuals affected with COL4A3-related conditions. ClinVar contains an entry for this variant (Variation ID: 556684). Algorithms developed to predict the effect of sequence changes on RNA splicing suggest that this variant may disrupt the consensus splice site.

Counsyl
Classification: Likely pathogenic for Autosomal recessive Alport syndrome. Last evaluated: 2018-02-13. Review status: no assertion criteria provided. Collection method: clinical testing. Allele origin: unknown. Not counted in ClinVar's aggregate classification.

Literature cited by the submitters: PubMed 16199547 (cited by Labcorp Genetics (formerly Invitae), Labcorp); PubMed 8956999 (cited by Labcorp Genetics (formerly Invitae), Labcorp); PubMed 24854265 (cited by Labcorp Genetics (formerly Invitae), Labcorp); PubMed 26809805 (cited by Labcorp Genetics (formerly Invitae), Labcorp); PubMed 27281700 (cited by Labcorp Genetics (formerly Invitae), Labcorp).